The following is an entry in ClinVar:

ClinVar aggregate classification (germline): Pathogenic (1 of 4 stars; one submission).

Conditions:
Marfan syndrome (MFS). Also called: MARFAN SYNDROME, TYPE I; Marfan syndrome type 1; Marfan's syndrome; Marfan syndrome, classic; FBN1-Related Marfan Syndrome. Identifiers: Orphanet 284963, Orphanet 558, MedGen C0024796, MONDO:0007947, OMIM 154700.
Familial thoracic aortic aneurysm and aortic dissection (TAAD). Also called: Thoracic aortic aneurysms and dissections. Identifiers: Orphanet 91387, MedGen C4707243, MONDO:0019625.

Submission:

Labcorp Genetics (formerly Invitae), Labcorp
Classification: Pathogenic for Marfan syndrome; Familial thoracic aortic aneurysm and aortic dissection. Last evaluated: 2022-11-09. Review status: criteria provided, single submitter. Criteria: Invitae Variant Classification Sherloc (09022015). Collection method: clinical testing. Allele origin: germline.
Comment: This sequence change creates a premature translational stop signal (p.Tyr2280Leufs*6) in the FBN1 gene. It is expected to result in an absent or disrupted protein product. Loss-of-function variants in FBN1 are known to be pathogenic (PMID: 17657824, 19293843). This variant is not present in population databases (gnomAD no frequency). This variant has not been reported in the literature in individuals affected with FBN1-related conditions. For these reasons, this variant has been classified as Pathogenic.

Literature cited by the submitters: PubMed 17657824; PubMed 19293843.

NM_000138.5(FBN1):c.6838dup (p.Tyr2280fs)

Gene: FBN1 (fibrillin 1; minus strand). Cytogenetic location: 15q21.1.
Variant type: Duplication.
Coding change: c.6838dup on transcript NM_000138.5 (MANE Select); coding-DNA position 6838, one base duplicated (T; older notation c.6838dupT).
Protein change: p.Tyr2280fs; shifts the reading frame from tyrosine 2280.
Molecular consequence: frameshift variant.
Genome position (GRCh38, 1-based): chr15:48,430,704, A duplicated on the plus strand (T on the coding strand, the reverse complement: FBN1 is on the minus strand). VCF-style (leftmost placement, unchanged base first): chr15-48430703-T-TA. GRCh37 (hg19) VCF-style: chr15-48722900-T-TA.
Other names: c.6838dup, p.Tyr2280fs (NM_001406716.1); short protein forms Y2280fs.
Identifiers: ClinVar variation 2941436 (VCV002941436.3), dbSNP rs2505419892, ClinGen allele CA2740096570.
Genomic context (GRCh38, chr15:48,430,703, plus strand): 5'-AAAGCTCCTTCCACAGGGATCCTCTTACCTACACAGCCTTCTCCATCAGGTCTCCGCTGA[T>TA]ACCCGGGTCCACAGATGCACATATATGTGCCAATGAGGTTCTTGCATTCCATTTGTTTTT-3'